The following is an entry in ClinVar:

NM_001174147.2(LMX1B):c.*173G>A

Gene: LMX1B (LIM homeobox transcription factor 1 beta; plus strand). Cytogenetic location: 9q33.3.
Variant type: single nucleotide variant.
Coding change: c.*173G>A on transcript NM_001174147.2 (MANE Select); 173 bases downstream of the stop codon, G replaced by A.
Molecular consequence: 3 prime UTR variant.
Genome position (GRCh38, 1-based): chr9:126,696,624, G>A. VCF-style: chr9-126696624-G-A. GRCh37 (hg19) VCF-style: chr9-129458903-G-A.
Other names: c.*173G>A (NM_001174146.2, NM_002316.4).
Identifiers: ClinVar variation 364897 (VCV000364897.5), dbSNP rs181701033, ClinGen allele CA10628916.

ClinVar aggregate classification (germline): Benign (1 of 4 stars; one submission).

Conditions:
Nail-patella syndrome (NPS). Also called: FONG DISEASE; ONYCHOOSTEODYSPLASIA; TURNER-KIESER SYNDROME. Identifiers: Orphanet 2614, MedGen C0027341, MONDO:0008061, OMIM 161200.

Allele frequency attached by ClinVar (database versions not stated): gnomAD exomes 0.00064; 1000 Genomes Project 0.00479; gnomAD 0.00504 and 0.00529; TOPMed 0.00564; 1000 Genomes Project 30x 0.00609.
gnomAD v4.1: 1,086 of 669,050 alleles (0.16%); highest among the groups gnomAD compares: African/African-American, 1.5%; 14 homozygotes.

Submission:

Illumina Laboratory Services, Illumina
Classification: Benign for Nail-patella syndrome. Last evaluated: 2018-01-12. Review status: criteria provided, single submitter. Criteria: ICSL Variant Classification Criteria 13 December 2019. Collection method: clinical testing. Allele origin: germline.
Comment: This variant was observed in the ICSL laboratory as part of a predisposition screen in an ostensibly healthy population. It had not been previously curated by ICSL or reported in the Human Gene Mutation Database (HGMD: prior to June 1st, 2018), and was therefore a candidate for classification through an automated scoring system. Utilizing variant allele frequency, disease prevalence and penetrance estimates, and inheritance mode, an automated score was calculated to assess if this variant is too frequent to cause the disease. Based on the score and internal cut-off values, a variant classified as benign is not then subjected to further curation. The score for this variant resulted in a classification of benign for this disease.